The following is an entry in ClinVar:

ClinVar aggregate classification (germline): Benign/Likely benign. Review status: criteria provided, multiple submitters, no conflicts (2 of 4 stars). 2 submissions from 2 submitters: Benign (1); Likely benign (1). Last evaluated 2024-07-10.

Conditions:
Oligodontia-cancer predisposition syndrome. Also called: TOOTH AGENESIS-COLORECTAL CANCER SYNDROME. Identifiers: Orphanet 300576, MedGen C1837750, MONDO:0012075, OMIM 608615. Disease mechanism: loss of function.

Submissions (2):

Myriad Genetics, Inc.
Classification: Benign for Oligodontia-cancer predisposition syndrome. Last evaluated: 2024-07-10. Review status: criteria provided, single submitter. Criteria: Myriad Autosomal Dominant, Autosomal Recessive and X-Linked Classification Criteria (2023). Collection method: clinical testing. Allele origin: unknown.
Comment: This variant is considered benign. This variant is a silent/synonymous amino acid change and it is not expected to impact splicing.

Labcorp Genetics (formerly Invitae), Labcorp
Classification: Likely benign for Oligodontia-cancer predisposition syndrome. Last evaluated: 2024-05-22. Review status: criteria provided, single submitter. Criteria: Invitae Variant Classification Sherloc (09022015). Collection method: clinical testing. Allele origin: germline.

NM_004655.4(AXIN2):c.2172G>A (p.Arg724=)

Gene: AXIN2 (axin 2; minus strand). Cytogenetic location: 17q24.1.
Variant type: single nucleotide variant.
Coding change: c.2172G>A on transcript NM_004655.4 (MANE Select); coding-DNA position 2172, G replaced by A.
Protein change: p.Arg724=; no amino-acid change (arginine 724 retained).
Molecular consequence: synonymous variant.
Genome position (GRCh38, 1-based): chr17:65,535,691, C>T on the plus strand (G>A on the coding strand, the complement: AXIN2 is on the minus strand). VCF-style: chr17-65535691-C-T. GRCh37 (hg19) VCF-style: chr17-63531809-C-T.
Other names: c.1977G>A, p.Arg659= (NM_001363813.1).
Identifiers: ClinVar variation 3006086 (VCV003006086.4), dbSNP rs2144433603, ClinGen allele CA501476118.